The following is an entry in ClinVar:

ClinVar aggregate classification (germline): Uncertain significance (1 of 4 stars; one submission).

Allele frequency attached by ClinVar (database versions not stated): ExAC 0.00001; TOPMed 0.00001; gnomAD exomes 0.00003.
gnomAD v4.1: 42 of 1,614,138 alleles (0.0026%); highest among the groups gnomAD compares: Admixed American, 0.0033%; no homozygotes.

Submission:

Labcorp Genetics (formerly Invitae), Labcorp
Classification: Uncertain significance. Last evaluated: 2024-10-24. Review status: criteria provided, single submitter. Criteria: Invitae Variant Classification Sherloc (09022015). Collection method: clinical testing. Allele origin: germline.
Comment: This sequence change replaces arginine, which is basic and polar, with tryptophan, which is neutral and slightly polar, at codon 408 of the MBTPS1 protein (p.Arg408Trp). This variant is present in population databases (rs760144119, gnomAD 0.007%). This variant has not been reported in the literature in individuals affected with MBTPS1-related conditions. ClinVar contains an entry for this variant (Variation ID: 2078856). An algorithm developed to predict the effect of missense changes on protein structure and function (PolyPhen-2) suggests that this variant is likely to be disruptive. In summary, the available evidence is currently insufficient to determine the role of this variant in disease. Therefore, it has been classified as a Variant of Uncertain Significance.

NM_003791.4(MBTPS1):c.1222C>T (p.Arg408Trp)

Gene: MBTPS1 (membrane bound transcription factor peptidase, site 1; minus strand). Cytogenetic location: 16q23.3.
Variant type: single nucleotide variant.
Coding change: c.1222C>T on transcript NM_003791.4 (MANE Select); coding-DNA position 1222, C replaced by T.
Protein change: p.Arg408Trp; replaces arginine 408 with tryptophan.
Molecular consequence: missense variant.
Genome position (GRCh38, 1-based): chr16:84,085,047, G>A on the plus strand (C>T on the coding strand, the complement: MBTPS1 is on the minus strand). VCF-style: chr16-84085047-G-A. GRCh37 (hg19) VCF-style: chr16-84118652-G-A.
Other names: short protein forms R408W.
Identifiers: ClinVar variation 2078856 (VCV002078856.2), dbSNP rs760144119, ClinGen allele CA8201405.